The following is an entry in ClinVar:

ClinVar aggregate classification (germline): Conflicting classifications of pathogenicity. Review status: criteria provided, conflicting classifications (1 of 4 stars). 2 submissions from 2 submitters: Uncertain significance (1); Likely benign (1). Last evaluated 2025-01-21.

Conditions:
RP1L1-related disorder. Also called: RP1L1-related condition.

gnomAD v4.1: 49 of 1,613,538 alleles (0.003%); highest among the groups gnomAD compares: Admixed American, 0.017%; no homozygotes.

Submissions (2):

PreventionGenetics, part of Exact Sciences
Classification: Uncertain significance for RP1L1-related condition. Last evaluated: 2025-01-21. Review status: criteria provided, single submitter. Criteria: ACMG Guidelines, 2015. Collection method: clinical testing. Allele origin: germline.
Comment: The RP1L1 c.2296G>A variant is predicted to result in the amino acid substitution p.Ala766Thr. To our knowledge, this variant has not been reported in the literature. This variant is reported in 0.048% of alleles in individuals of Ashkenazi Jewish descent in gnomAD. At this time, the clinical significance of this variant is uncertain due to the absence of conclusive functional and genetic evidence.

Blueprint Genetics
Classification: Likely benign. Last evaluated: 2022-09-09. Review status: criteria provided, single submitter. Criteria: ACMG Guidelines, 2015. Collection method: clinical testing. Allele origin: germline.

NM_178857.6(RP1L1):c.2296G>A (p.Ala766Thr)

Gene: RP1L1 (RP1 like 1). Cytogenetic location: 8p23.1.
Variant type: single nucleotide variant.
Coding change: c.2296G>A on transcript NM_178857.6 (MANE Select); coding-DNA position 2296, G replaced by A.
Protein change: p.Ala766Thr; replaces alanine 766 with threonine.
Molecular consequence: missense variant.
Genome position (GRCh38, 1-based): chr8:10,611,802, C>T on the plus strand (G>A on the coding strand, the complement: RP1L1 is on the minus strand). VCF-style: chr8-10611802-C-T. GRCh37 (hg19) VCF-style: chr8-10469312-C-T.
Other names: c.2296G>A (NM_178857.5); short protein forms A766T.
Identifiers: ClinVar variation 4899306 (VCV004899306.2).